The following is an entry in ClinVar:

NM_014000.3(VCL):c.3115C>T (p.Gln1039Ter)

Gene: VCL (vinculin; plus strand). Cytogenetic location: 10q22.2.
Variant type: single nucleotide variant.
Coding change: c.3115C>T on transcript NM_014000.3 (MANE Select); coding-DNA position 3115, C replaced by T.
Protein change: p.Gln1039Ter; replaces glutamine 1039 with a stop codon.
Molecular consequence: nonsense.
Genome position (GRCh38, 1-based): chr10:74,114,349, C>T. VCF-style: chr10-74114349-C-T. GRCh37 (hg19) VCF-style: chr10-75874107-C-T.
Other names: c.2911C>T, p.Gln971Ter (NM_003373.4); short protein forms Q1039*, Q971*.
Identifiers: ClinVar variation 166556 (VCV000166556.6), dbSNP rs727503741, ClinGen allele CA273293.
Genomic context (GRCh38, chr10:74,114,349, plus strand): 5'-GCCAAGGACATCGCCAAGGCCTCAGATGAGGTGACTCGGTTGGCCAAGGAGGTTGCCAAG[C>T]AGTGCACAGATAAACGGATTAGAACCAACCTCTTACAGGTACTCGGGGAAAGAGGCTGCG-3'

ClinVar aggregate classification (germline): Uncertain significance (1 of 4 stars; one submission).

Submission:

Laboratory for Molecular Medicine, Mass General Brigham Personalized Medicine
Classification: Uncertain significance. Last evaluated: 2019-12-11. Review status: criteria provided, single submitter. Criteria: LMM Criteria. Collection method: clinical testing. Allele origin: germline. Observed: 3 variant alleles.
Comment: proposed classification - variant undergoing re-assessment, contact laboratory